The following is an entry in ClinVar:

NM_000540.3(RYR1):c.14041A>C (p.Lys4681Gln)

Gene: RYR1 (ryanodine receptor 1; plus strand). Cytogenetic location: 19q13.2.
Variant type: single nucleotide variant.
Coding change: c.14041A>C on transcript NM_000540.3 (MANE Select); coding-DNA position 14041, A replaced by C.
Protein change: p.Lys4681Gln; replaces lysine 4681 with glutamine.
Molecular consequence: missense variant.
Genome position (GRCh38, 1-based): chr19:38,573,219, A>C. VCF-style: chr19-38573219-A-C. GRCh37 (hg19) VCF-style: chr19-39063859-A-C.
Other names: c.14026A>C, p.Lys4676Gln (NM_001042723.2); short protein forms K4676Q, K4681Q.
Identifiers: ClinVar variation 1054515 (VCV001054515.9), dbSNP rs1912187896, ClinGen allele CA405682086.

ClinVar aggregate classification (germline): Uncertain significance. Review status: criteria provided, multiple submitters, no conflicts (2 of 4 stars). 3 submissions from 3 submitters: Uncertain significance (3). Last evaluated 2025-09-03.

Conditions:
RYR1-related disorder. Also called: RYR1-related disorders; RYR1-related condition. Identifiers: MedGen CN239331.
Malignant hyperthermia, susceptibility to, 1 (MHS1). Also called: Anesthesia related hyperthermia; Malignant hyperpyrexia; Fulminating hyperpyrexia; Pharmacogenic myopathy; RYR1-Related Malignant Hyperthermia Susceptibility; Malignant hyperthermia suceptibility 1. Identifiers: Orphanet 423, MedGen C2930980, MONDO:0007783, OMIM 145600.
Central core myopathy (CMYO1A). Also called: CONGENITAL MYOPATHY 1A, AUTOSOMAL DOMINANT, WITH SUSCEPTIBILITY TO MALIGNANT HYPERTHERMIA; Central core disease; Myopathy, central fibrillar. Identifiers: Orphanet 597, MedGen C5830701, MONDO:0007294, OMIM 117000.
Congenital myopathy with fiber type disproportion. Also called: Congenital fiber-type disproportion; Congenital fiber-type disproportion myopathy. Identifiers: Orphanet 2020, MedGen C0546264, MONDO:0009711. Inheritance: all.
Congenital multicore myopathy with external ophthalmoplegia (CMYO1B). Also called: MULTICORE MYOPATHY; Congenital myopathy 1B, autosomal recessive; Minicore myopathy; MULTIMINICORE DISEASE WITH EXTERNAL OPHTHALMOPLEGIA; Minicore myopathy with external ophthalmoplegia. Identifiers: Orphanet 598, Orphanet 98905, MedGen C1850674, MONDO:0009712, OMIM 255320, HP:0003789.
King Denborough syndrome (KDS). Identifiers: MedGen C1840365, MONDO:0020485, OMIM 619542.

Allele frequency attached by ClinVar (database versions not stated): gnomAD exomes below 0.00001; gnomAD 0.00001.
gnomAD v4.1: 3 of 1,613,882 alleles (0.00019%); highest among the groups gnomAD compares: Non-Finnish European, 0.00025%; no homozygotes.

Submissions (3):

Labcorp Genetics (formerly Invitae), Labcorp
Classification: Uncertain significance for RYR1-related disorder. Last evaluated: 2025-09-03. Review status: criteria provided, single submitter. Criteria: Invitae Variant Classification Sherloc (09022015). Collection method: clinical testing. Allele origin: germline.
Comment: This sequence change replaces lysine, which is basic and polar, with glutamine, which is neutral and polar, at codon 4681 of the RYR1 protein (p.Lys4681Gln). This variant is not present in population databases (gnomAD no frequency). This variant has not been reported in the literature in individuals affected with RYR1-related conditions. ClinVar contains an entry for this variant (Variation ID: 1054515). Invitae Evidence Modeling of protein sequence and biophysical properties (such as structural, functional, and spatial information, amino acid conservation, physicochemical variation, residue mobility, and thermodynamic stability) has been performed for this missense variant. However, the output from this modeling did not meet the statistical confidence thresholds required to predict the impact of this variant on RYR1 protein function. In summary, the available evidence is currently insufficient to determine the role of this variant in disease. Therefore, it has been classified as a Variant of Uncertain Significance.

All of Us Research Program, National Institutes of Health
Classification: Uncertain significance for Malignant hyperthermia, susceptibility to, 1. Last evaluated: 2024-08-06. Review status: criteria provided, single submitter. Criteria: ACMG Guidelines, 2015. Collection method: clinical testing. Allele origin: germline. Inheritance: Autosomal dominant inheritance. Observed: 1 variant allele, 1 heterozygote.
Comment: This study involves interpretation of variants in research participants for the purpose of population health screening. Participant phenotype was not available at the time of variant classification. Additional details can be found in publication PMID: 35346344, PMCID: PMC8962531

Fulgent Genetics
Classification: Uncertain significance for Central core myopathy; Malignant hyperthermia, susceptibility to, 1; Congenital myopathy 4A, autosomal dominant; Congenital multicore myopathy with external ophthalmoplegia; King Denborough syndrome. Last evaluated: 2021-11-12. Review status: criteria provided, single submitter. Criteria: ACMG Guidelines, 2015. Collection method: clinical testing. Allele origin: unknown.